The following is an entry in ClinVar:

NM_000540.3(RYR1):c.5909A>G (p.Gln1970Arg)

Gene: RYR1 (ryanodine receptor 1; plus strand). Cytogenetic location: 19q13.2.
Variant type: single nucleotide variant.
Coding change: c.5909A>G on transcript NM_000540.3 (MANE Select); coding-DNA position 5909, A replaced by G.
Protein change: p.Gln1970Arg; replaces glutamine 1970 with arginine.
Molecular consequence: missense variant.
Genome position (GRCh38, 1-based): chr19:38,490,170, A>G. VCF-style: chr19-38490170-A-G. GRCh37 (hg19) VCF-style: chr19-38980810-A-G.
Other names: c.5909A>G, p.Gln1970Arg (NM_001042723.2); short protein forms Q1970R.
Identifiers: ClinVar variation 3070270 (VCV003070270.1), dbSNP rs2514251913, ClinGen allele CA405660467.
Genomic context (GRCh38, chr19:38,490,170, plus strand): 5'-AGCTGCAGCACCGTGTGGAGTCCCTGGCAGCCTTTGCGGAGCGCTATGTGGACAAGCTCC[A>G]GGCCAACCAGCGGAGCCGCTATGGCCTCCTCATAAAAGCCTTCAGCATGACCGCAGCAGA-3'
Protein context (NP_000531.2, residues 1960-1980): AFAERYVDKL[Gln1970Arg]ANQRSRYGLL

ClinVar aggregate classification (germline): Uncertain significance (1 of 4 stars; one submission).

Conditions:
Malignant hyperthermia, susceptibility to, 1 (MHS1). Also called: RYR1-Related Malignant Hyperthermia Susceptibility; Anesthesia related hyperthermia; Malignant hyperpyrexia; Fulminating hyperpyrexia; Pharmacogenic myopathy; Malignant hyperthermia suceptibility 1. Identifiers: Orphanet 423, MedGen C2930980, MONDO:0007783, OMIM 145600.

Submission:

All of Us Research Program, National Institutes of Health
Classification: Uncertain significance for Malignant hyperthermia, susceptibility to, 1. Last evaluated: 2023-04-03. Review status: criteria provided, single submitter. Criteria: ACMG Guidelines, 2015. Collection method: clinical testing. Allele origin: germline. Inheritance: Autosomal dominant inheritance. Observed: 1 variant allele, 1 heterozygote.
Comment: This missense variant replaces glutamine with arginine at codon 1970 of the RYR1 protein. Computational prediction is inconclusive regarding the impact of this variant on protein structure and function (internally defined REVEL score threshold 0.5 < inconclusive < 0.7, PMID: 27666373). To our knowledge, functional studies have not been reported for this variant. This variant has not been reported in individuals affected with RYR1-related disorders in the literature. This variant has not been identified in the general population by the Genome Aggregation Database (gnomAD). The available evidence is insufficient to determine the role of this variant in disease conclusively. Therefore, this variant is classified as a Variant of Uncertain Significance.

This study involves interpretation of variants in research participants for the purpose of population health screening. Participant phenotype was not available at the time of variant classification. Additional details can be found in publication PMID: 35346344, PMCID: PMC8962531